The following is an entry in ClinVar:

NM_001267550.2(TTN):c.13525del (p.Ser4509fs)

Gene: TTN (titin; minus strand). Cytogenetic location: 2q31.2.
Variant type: Deletion.
Coding change: c.13525del on transcript NM_001267550.2 (MANE Select); coding-DNA position 13525, one base deleted (T; older notation c.13525delT).
Protein change: p.Ser4509fs; shifts the reading frame from serine 4509.
Molecular consequence: frameshift variant. On other transcripts: intron variant (1).
Genome position (GRCh38, 1-based): chr2:178,739,708, A deleted on the plus strand (T on the coding strand, the reverse complement: TTN is on the minus strand); the first of 2 consecutive A bases (chr2:178,739,708-178,739,709); deleting either gives the same sequence. VCF-style (leftmost placement, unchanged base first): chr2-178739707-GA-G. GRCh37 (hg19) VCF-style: chr2-179604434-GA-G.
Other names: c.12574del, p.Ser4192fs (NM_001256850.1); c.12436del, p.Ser4146fs (NM_003319.4); c.12811del, p.Ser4271fs (NM_133432.3); c.13012del, p.Ser4338fs (NM_133437.4); c.10361-1348del (NM_133378.4); c.13525delT (NM_001267550.2); c.12436delT (NM_003319.4); short protein forms S4146fs, S4192fs, S4338fs, S4271fs, S4509fs.
Identifiers: ClinVar variation 466814 (VCV000466814.11), dbSNP rs1553936898, ClinGen allele CA658657177.

ClinVar aggregate classification (germline): Conflicting classifications of pathogenicity. Review status: criteria provided, conflicting classifications (1 of 4 stars). 3 submissions from 3 submitters: Pathogenic (1); Likely pathogenic (1); Uncertain significance (1). Last evaluated 2025-11-13.

Conditions:
Dilated cardiomyopathy 1G (CMD1G). Identifiers: Orphanet 154, MedGen C1858763, MONDO:0011400, OMIM 604145.
Autosomal recessive limb-girdle muscular dystrophy type 2J (LGMDR10). Also called: MUSCULAR DYSTROPHY, LIMB-GIRDLE, AUTOSOMAL RECESSIVE 10; Limb-girdle muscular dystrophy, type 2J. Identifiers: Orphanet 140922, MedGen C1837342, MONDO:0012127, OMIM 608807.
Cardiovascular phenotype. Identifiers: MedGen CN230736.

Submissions (3):

Labcorp Genetics (formerly Invitae), Labcorp
Classification: Pathogenic for Dilated cardiomyopathy 1G; Autosomal recessive limb-girdle muscular dystrophy type 2J. Last evaluated: 2025-11-13. Review status: criteria provided, single submitter. Criteria: Invitae Variant Classification Sherloc (09022015). Collection method: clinical testing. Allele origin: germline.
Comment: This sequence change creates a premature translational stop signal (p.Ser4509Leufs*21) in the TTN gene. While this is not anticipated to result in nonsense mediated decay, it is expected to create a truncated TTN protein. This variant is not present in population databases (gnomAD no frequency). This premature translational stop signal has been observed in individuals with dilated cardiomyopathy (internal data). ClinVar contains an entry for this variant (Variation ID: 466814). This variant is located in the I band of TTN (PMID: 25589632). Truncating variants in this region have been reported in individuals affected with autosomal recessive centronuclear myopathy (PMID: 23975875, internal data). Truncating variants in this region have also been identified in individuals affected with autosomal dominant dilated cardiomyopathy and/or cardio-related conditions (PMID: 27869827, 32964742, internal data). For these reasons, this variant has been classified as Pathogenic.

Ambry Genetics
Classification: Likely pathogenic for Cardiovascular phenotype. Last evaluated: 2024-11-25. Review status: criteria provided, single submitter. Criteria: Ambry Variant Classification Scheme 2023. Collection method: clinical testing. Allele origin: germline.
Comment: The c.12436delT variant, located in coding exon 44 of the TTN gene, results from a deletion of one nucleotide at nucleotide position 12436, causing a translational frameshift with a predicted alternate stop codon (p.S4146Lfs*21). This exon is located in the I-band region of the N2-B isoform of the titin protein and is constitutively expressed in TTN transcripts (percent spliced in or PSI 100%). This variant is considered to be rare based on population cohorts in the Genome Aggregation Database (gnomAD). This alteration is expected to result in loss of function by premature protein truncation or nonsense-mediated mRNA decay. While truncating variants in TTN are present in 1-3% of the general population, truncating variants in the A-band are the most common cause of dilated cardiomyopathy (DCM) (Herman DS et al. N. Engl. J. Med., 2012 Feb;366:619-28; Roberts AM et al. Sci Transl Med, 2015 Jan;7:270ra6). TTN truncating variants encoded in constitutive exons (PSI >90%) have been found to be significantly associated with DCM regardless of their position in titin (Schafer S et al. Nat. Genet., 2017 01;49:46-53). Based on the majority of available evidence to date, this variant is likely to be pathogenic.

Stanford Center for Inherited Cardiovascular Disease, Stanford University
Classification: Uncertain significance. Last evaluated: 2017-10-19. Review status: criteria provided, single submitter. Criteria: ACMG Guidelines, 2015. Collection method: provider interpretation. Allele origin: germline.

Literature cited by the submitters: PubMed 25589632 (cited by Labcorp Genetics (formerly Invitae), Labcorp); PubMed 23975875 (cited by Labcorp Genetics (formerly Invitae), Labcorp); PubMed 27869827 (cited by Labcorp Genetics (formerly Invitae), Labcorp); PubMed 32964742 (cited by Labcorp Genetics (formerly Invitae), Labcorp).